The following is an entry in ClinVar:

ClinVar aggregate classification (germline): Uncertain significance. Review status: criteria provided, multiple submitters, no conflicts (2 of 4 stars). 4 submissions from 4 submitters: Uncertain significance (3). 1 of the submissions does not count toward it. Last evaluated 2025-10-20.

Conditions:
Immunodeficiency 60. Also called: IMMUNODEFICIENCY AND AUTOIMMUNITY, BACH2-RELATED; IMMUNODEFICIENCY 60 AND AUTOIMMUNITY. Identifiers: MedGen C5193072, MONDO:0032723, OMIM 618394.

Allele frequency attached by ClinVar (database versions not stated): ExAC 0.00002; gnomAD exomes 0.00002 and 0.00006; TOPMed 0.00002; gnomAD 0.00006.
gnomAD v4.1: 98 of 1,613,980 alleles (0.0061%); highest among the groups gnomAD compares: Non-Finnish European, 0.0073%; 1 homozygote.

Submissions (4):

Labcorp Genetics (formerly Invitae), Labcorp
Classification: Uncertain significance. Last evaluated: 2025-10-20. Review status: criteria provided, single submitter. Criteria: Invitae Variant Classification Sherloc (09022015). Collection method: clinical testing. Allele origin: germline.
Comment: This sequence change replaces glutamic acid, which is acidic and polar, with lysine, which is basic and polar, at codon 788 of the BACH2 protein (p.Glu788Lys). This variant is present in population databases (rs757652995, gnomAD 0.009%). This missense change has been observed in individual(s) with immunoglobulin deficiency and intestinal inflammation (PMID: 28530713). ClinVar contains an entry for this variant (Variation ID: 625844). Invitae Evidence Modeling of protein sequence and biophysical properties (such as structural, functional, and spatial information, amino acid conservation, physicochemical variation, residue mobility, and thermodynamic stability) indicates that this missense variant is not expected to disrupt BACH2 protein function with a negative predictive value of 80%. In summary, the available evidence is currently insufficient to determine the role of this variant in disease. Therefore, it has been classified as a Variant of Uncertain Significance.

Blueprint Genetics
Classification: Uncertain significance. Last evaluated: 2024-03-20. Review status: criteria provided, single submitter. Criteria: ACMG Guidelines, 2015. Collection method: clinical testing. Allele origin: germline.

CeGaT Center for Human Genetics Tuebingen
Classification: Uncertain significance. Last evaluated: 2021-06-01. Review status: criteria provided, single submitter. Criteria: CeGaT Center For Human Genetics Tuebingen Variant Classification Criteria Version 2. Collection method: clinical testing. Allele origin: germline. Affected: yes. Observed: 1 variant allele.

OMIM
Classification: Pathogenic for IMMUNODEFICIENCY 60 AND AUTOIMMUNITY. Last evaluated: 2021-10-27. Review status: no assertion criteria provided. Collection method: literature only. Allele origin: germline. Not counted in ClinVar's aggregate classification.

Literature cited by the submitters: PubMed 28530713 (cited by Labcorp Genetics (formerly Invitae), Labcorp and OMIM).

NM_021813.4(BACH2):c.2362G>A (p.Glu788Lys)

Gene: BACH2 (BACH transcriptional regulator 2; minus strand). Cytogenetic location: 6q15.
Variant type: single nucleotide variant.
Coding change: c.2362G>A on transcript NM_021813.4 (MANE Select); coding-DNA position 2362, G replaced by A.
Protein change: p.Glu788Lys; replaces glutamic acid 788 with lysine.
Molecular consequence: missense variant.
Genome position (GRCh38, 1-based): chr6:89,932,572, C>T on the plus strand (G>A on the coding strand, the complement: BACH2 is on the minus strand). VCF-style: chr6-89932572-C-T. GRCh37 (hg19) VCF-style: chr6-90642291-C-T.
Other names: c.2362G>A, p.Glu788Lys (NM_001170794.2); short protein forms E788K.
Identifiers: ClinVar variation 625844 (VCV000625844.42), dbSNP rs757652995, ClinGen allele CA3927798.